The following is an entry in ClinVar:

ClinVar aggregate classification (germline): Benign/Likely benign. Review status: criteria provided, multiple submitters, no conflicts (2 of 4 stars). 5 submissions from 5 submitters: Benign (2); Likely benign (3). Last evaluated 2025-05-11.

Conditions:
Cataract 18 (CATC2). Also called: CATARACT 18, AUTOSOMAL RECESSIVE. Identifiers: Orphanet 91492, Orphanet 98991, Orphanet 98992, Orphanet 98995, MedGen C1864908, MONDO:0012395, OMIM 610019.

Allele frequency attached by ClinVar (database versions not stated): gnomAD exomes 0.00076; ExAC 0.00104; gnomAD 0.00285 and 0.00299; ESP Exome Variant Server 0.00331; TOPMed 0.00336; 1000 Genomes Project 30x 0.00359; 1000 Genomes Project 0.00379.
gnomAD v4.1: 857 of 1,613,902 alleles (0.053%); highest among the groups gnomAD compares: African/African-American, 0.97%; 4 homozygotes.

Submissions (5):

Labcorp Genetics (formerly Invitae), Labcorp
Classification: Benign for Cataract 18. Last evaluated: 2025-05-11. Review status: criteria provided, single submitter. Criteria: Invitae Variant Classification Sherloc (09022015). Collection method: clinical testing. Allele origin: germline.

Blueprint Genetics
Classification: Likely benign. Last evaluated: 2024-09-23. Review status: criteria provided, single submitter. Criteria: ACMG Guidelines, 2015. Collection method: clinical testing. Allele origin: germline.

GeneDx
Classification: Likely benign. Last evaluated: 2020-06-30. Review status: criteria provided, single submitter. Criteria: GeneDx Variant Classification Process June 2021. Collection method: clinical testing. Allele origin: germline. Affected: yes.

Illumina Laboratory Services, Illumina
Classification: Benign for Cataract 18. Last evaluated: 2018-01-12. Review status: criteria provided, single submitter. Criteria: ICSL Variant Classification Criteria 13 December 2019. Collection method: clinical testing. Allele origin: germline.
Comment: This variant was observed in the ICSL laboratory as part of a predisposition screen in an ostensibly healthy population. It had not been previously curated by ICSL or reported in the Human Gene Mutation Database (HGMD: prior to June 1st, 2018), and was therefore a candidate for classification through an automated scoring system. Utilizing variant allele frequency, disease prevalence and penetrance estimates, and inheritance mode, an automated score was calculated to assess if this variant is too frequent to cause the disease. Based on the score and internal cut-off values, a variant classified as benign is not then subjected to further curation. The score for this variant resulted in a classification of benign for this disease.

Breakthrough Genomics
Classification: Likely benign. Review status: criteria provided, single submitter. Criteria: ACMG Guidelines, 2015. Collection method: not provided. Allele origin: germline. Inheritance: Autosomal recessive inheritance. Affected: yes.

NM_024513.4(FYCO1):c.1063C>T (p.Arg355Trp)

Gene: FYCO1 (FYVE and coiled-coil domain autophagy adaptor 1; minus strand). Cytogenetic location: 3p21.31.
Variant type: single nucleotide variant.
Coding change: c.1063C>T on transcript NM_024513.4 (MANE Select); coding-DNA position 1063, C replaced by T.
Protein change: p.Arg355Trp; replaces arginine 355 with tryptophan.
Molecular consequence: missense variant.
Genome position (GRCh38, 1-based): chr3:45,968,271, G>A on the plus strand (C>T on the coding strand, the complement: FYCO1 is on the minus strand). VCF-style: chr3-45968271-G-A. GRCh37 (hg19) VCF-style: chr3-46009763-G-A.
Other names: short protein forms R355W.
Identifiers: ClinVar variation 468438 (VCV000468438.20), dbSNP rs35937665, ClinGen allele CA2353319.